The following is an entry in ClinVar:

ClinVar aggregate classification (germline): Conflicting classifications of pathogenicity. Review status: criteria provided, conflicting classifications (1 of 4 stars). 2 submissions from 2 submitters: Uncertain significance (1); Likely benign (1). Last evaluated 2026-07-06.

Conditions:
Neurofibromatosis, type 1 (NF1). Also called: VON RECKLINGHAUSEN DISEASE; NEUROFIBROMATOSIS, TYPE I, SOMATIC; Peripheral type neurofibromatosis; Neurofibromatosis, type I. Identifiers: Orphanet 636, MedGen C0027831, MONDO:0018975, OMIM 162200. Disease mechanism: loss of function.
Cardiovascular phenotype. Identifiers: MedGen CN230736.
Hereditary cancer-predisposing syndrome. Also called: Neoplastic Syndromes, Hereditary; Tumor predisposition; Hereditary Cancer Syndrome; Hereditary neoplastic syndrome. Identifiers: Orphanet 140162, MedGen C0027672, MeSH D009386, MONDO:0015356.

Submissions (2):

Ambry Genetics
Classification: Likely benign for Cardiovascular phenotype; Hereditary cancer-predisposing syndrome. Last evaluated: 2026-07-06. Review status: criteria provided, single submitter. Criteria: Ambry Variant Classification Scheme 2023. Collection method: clinical testing. Allele origin: germline.

Clinical Genomics Laboratory, Washington University in St. Louis
Classification: Uncertain significance for Neurofibromatosis, type 1. Last evaluated: 2026-05-03. Review status: criteria provided, single submitter. Criteria: ACMG Guidelines, 2015. Collection method: clinical testing. Allele origin: germline.
Comment: An NF1 c.2570A>T (p.Asn857Ile) variant was identified at a heterozygous allelic fraction of 50% a frequency which may be consistent with germline origin. This variant, to our knowledge, has not been reported in the medical literature but has been reported in the ClinVar database as a germline variant of uncertain significance by one submitter (Variation ID: 3237686). It is absent from the general population (gnomAD v4.1.1), indicating it is not a common variant. Computational predictors suggest that the variant does not impact NF1 function. Due to limited information, and based on ACMG/AMP guidelines for variant interpretation (Richards S et al., PMID: 25741868), the clinical significance of this variant is uncertain at this time.

NM_001042492.3(NF1):c.2570A>T (p.Asn857Ile)

Gene: NF1 (neurofibromin 1; plus strand). Cytogenetic location: 17q11.2.
Variant type: single nucleotide variant.
Coding change: c.2570A>T on transcript NM_001042492.3 (MANE Select); coding-DNA position 2570, A replaced by T.
Protein change: p.Asn857Ile; replaces asparagine 857 with isoleucine.
Molecular consequence: missense variant.
Genome position (GRCh38, 1-based): chr17:31,229,185, A>T. VCF-style: chr17-31229185-A-T. GRCh37 (hg19) VCF-style: chr17-29556203-A-T.
Other names: c.2570A>T, p.Asn857Ile (NM_000267.4); short protein forms N857I.
Identifiers: ClinVar variation 3237686 (VCV003237686.3), dbSNP rs1060500299.